The following is an entry in ClinVar:

NM_052874.5(STX1B):c.205+5G>C

Gene: STX1B (syntaxin 1B; minus strand). Cytogenetic location: 16p11.2.
Variant type: single nucleotide variant.
Coding change: c.205+5G>C on transcript NM_052874.5 (MANE Select); 5 bases into the intron after coding-DNA position 205, G replaced by C.
Molecular consequence: intron variant.
Genome position (GRCh38, 1-based): chr16:31,001,089, C>G on the plus strand (G>C on the coding strand, the complement: STX1B is on the minus strand). VCF-style: chr16-31001089-C-G. GRCh37 (hg19) VCF-style: chr16-31012410-C-G.
Identifiers: ClinVar variation 1785057 (VCV001785057.2), dbSNP rs2056625628, ClinGen allele CA2580091507.

ClinVar aggregate classification (germline): Uncertain significance (1 of 4 stars; one submission).

Conditions:
Inborn genetic diseases. Identifiers: MedGen C0950123, MeSH D030342.

Submission:

Ambry Genetics
Classification: Uncertain significance for Inborn genetic diseases. Last evaluated: 2017-09-21. Review status: criteria provided, single submitter. Criteria: Ambry Variant Classification Scheme 2023. Collection method: clinical testing. Allele origin: germline.
Comment: The c.205+5G>C intronic variant results from a G to C substitution 5 nucleotides after coding exon 3 in the STX1B gene. This nucleotide position is highly conserved in available vertebrate species. Using the BDGP and ESEfinder splice site prediction tools, this alteration is predicted to abolish the native splice donor site; however, direct evidence is unavailable. Since supporting evidence is limited at this time, the clinical significance of this alteration remains unclear.